The following is an entry in ClinVar:

ClinVar aggregate classification (germline): Uncertain significance (1 of 4 stars; one submission).

Conditions:
Nephronophthisis. Also called: Juvenile Nephronophthisis. Identifiers: Orphanet 655, MedGen C0687120, MONDO:0019005, HP:0000090.

Allele frequency attached by ClinVar (database versions not stated): TOPMed 0.00002.

Submission:

Labcorp Genetics (formerly Invitae), Labcorp
Classification: Uncertain significance for Nephronophthisis. Last evaluated: 2024-10-23. Review status: criteria provided, single submitter. Criteria: Invitae Variant Classification Sherloc (09022015). Collection method: clinical testing. Allele origin: germline.
Comment: This sequence change replaces valine, which is neutral and non-polar, with leucine, which is neutral and non-polar, at codon 1280 of the NPHP4 protein (p.Val1280Leu). The frequency data for this variant in the population databases is considered unreliable, as metrics indicate poor data quality at this position in the gnomAD database. This variant has not been reported in the literature in individuals affected with NPHP4-related conditions. ClinVar contains an entry for this variant (Variation ID: 957732). Invitae Evidence Modeling of protein sequence and biophysical properties (such as structural, functional, and spatial information, amino acid conservation, physicochemical variation, residue mobility, and thermodynamic stability) indicates that this missense variant is not expected to disrupt NPHP4 protein function with a negative predictive value of 80%. In summary, the available evidence is currently insufficient to determine the role of this variant in disease. Therefore, it has been classified as a Variant of Uncertain Significance.

NM_015102.5(NPHP4):c.3838G>C (p.Val1280Leu)

Gene: NPHP4 (nephrocystin 4; minus strand). Cytogenetic location: 1p36.31.
Variant type: single nucleotide variant.
Coding change: c.3838G>C on transcript NM_015102.5 (MANE Select); coding-DNA position 3838, G replaced by C.
Protein change: p.Val1280Leu; replaces valine 1280 with leucine.
Molecular consequence: missense variant. On other transcripts: non-coding transcript variant (1).
Genome position (GRCh38, 1-based): chr1:5,864,496, C>G on the plus strand (G>C on the coding strand, the complement: NPHP4 is on the minus strand). VCF-style: chr1-5864496-C-G. GRCh37 (hg19) VCF-style: chr1-5924556-C-G.
Other names: c.2299G>C, p.Val767Leu (NM_001291593.2); c.2302G>C, p.Val768Leu (NM_001291594.2); short protein forms V1280L, V767L, V768L.
Identifiers: ClinVar variation 957732 (VCV000957732.7), dbSNP rs751907566, ClinGen allele CA553443.